The following is an entry in ClinVar:

ClinVar aggregate classification (germline): Uncertain significance (1 of 4 stars; one submission).

gnomAD v4.1: 7 of 1,613,664 alleles (0.00043%); highest among the groups gnomAD compares: Non-Finnish European, 0.00059%; no homozygotes.

Submission:

Labcorp Genetics (formerly Invitae), Labcorp
Classification: Uncertain significance. Last evaluated: 2025-10-10. Review status: criteria provided, single submitter. Criteria: Invitae Variant Classification Sherloc (09022015). Collection method: clinical testing. Allele origin: germline.
Comment: This sequence change replaces aspartic acid, which is acidic and polar, with histidine, which is basic and polar, at codon 60 of the OTULIN protein (p.Asp60His). This variant is not present in population databases (gnomAD no frequency). This variant has not been reported in the literature in individuals affected with OTULIN-related conditions. An algorithm developed to predict the effect of missense changes on protein structure and function (PolyPhen-2) suggests that this variant is likely to be disruptive. In summary, the available evidence is currently insufficient to determine the role of this variant in disease. Therefore, it has been classified as a Variant of Uncertain Significance.

NM_138348.6(OTULIN):c.178G>C (p.Asp60His)

Gene: OTULIN (OTU deubiquitinase with linear linkage specificity; plus strand). Cytogenetic location: 5p15.2.
Variant type: single nucleotide variant.
Coding change: c.178G>C on transcript NM_138348.6 (MANE Select); coding-DNA position 178, G replaced by C.
Protein change: p.Asp60His; replaces aspartic acid 60 with histidine.
Molecular consequence: missense variant.
Genome position (GRCh38, 1-based): chr5:14,673,667, G>C. VCF-style: chr5-14673667-G-C. GRCh37 (hg19) VCF-style: chr5-14673776-G-C.
Other names: short protein forms D60H.
Identifiers: ClinVar variation 4763222 (VCV004763222.1).